The following is an entry in ClinVar:

NM_001267550.2(TTN):c.67261G>A (p.Gly22421Arg)

Genes: TTN (titin; minus strand), TTN-AS1 (TTN antisense RNA 1; plus strand). Cytogenetic location: 2q31.2.
Variant type: single nucleotide variant.
Coding change: c.67261G>A on transcript NM_001267550.2 (MANE Select); coding-DNA position 67261, G replaced by A.
Protein change: p.Gly22421Arg; replaces glycine 22421 with arginine.
Molecular consequence: missense variant.
Genome position (GRCh38, 1-based): chr2:178,580,026, C>T on the plus strand (G>A on the coding strand, the complement: TTN is on the minus strand). VCF-style: chr2-178580026-C-T. GRCh37 (hg19) VCF-style: chr2-179444753-C-T.
Other names: c.62338G>A, p.Gly20780Arg (NM_001256850.1); c.40066G>A, p.Gly13356Arg (NM_003319.4); c.59557G>A, p.Gly19853Arg (NM_133378.4); c.40441G>A, p.Gly13481Arg (NM_133432.3); c.40642G>A, p.Gly13548Arg (NM_133437.4); short protein forms G13356R, G13481R, G13548R, G19853R, G20780R, G22421R.
Identifiers: ClinVar variation 3905232 (VCV003905232.10).

ClinVar aggregate classification (germline): Uncertain significance (1 of 4 stars; one submission).

gnomAD v4.1: 1 of 1,613,274 alleles (0.000062%); highest among the groups gnomAD compares: Non-Finnish European, 0.000085%; no homozygotes.

Submission:

CeGaT Center for Human Genetics Tuebingen
Classification: Uncertain significance. Last evaluated: 2025-06-01. Review status: criteria provided, single submitter. Criteria: CeGaT Center For Human Genetics Tuebingen Variant Classification Criteria Version 2. Collection method: clinical testing. Allele origin: germline. Affected: yes. Observed: 1 variant allele.
Comment: TTN: PM2